The following is an entry in ClinVar:

ClinVar aggregate classification (germline): Uncertain significance (1 of 4 stars; one submission).

Allele frequency attached by ClinVar (database versions not stated): gnomAD 0.00001; TOPMed 0.00001; gnomAD exomes 0.00002.
gnomAD v4.1: 26 of 1,613,086 alleles (0.0016%); highest among the groups gnomAD compares: East Asian, 0.0022%; no homozygotes.

Submission:

Labcorp Genetics (formerly Invitae), Labcorp
Classification: Uncertain significance. Last evaluated: 2022-05-04. Review status: criteria provided, single submitter. Criteria: Invitae Variant Classification Sherloc (09022015). Collection method: clinical testing. Allele origin: germline.
Comment: In summary, the available evidence is currently insufficient to determine the role of this variant in disease. Therefore, it has been classified as a Variant of Uncertain Significance. Algorithms developed to predict the effect of missense changes on protein structure and function are either unavailable or do not agree on the potential impact of this missense change (SIFT: "Deleterious"; PolyPhen-2: "Possibly Damaging"; Align-GVGD: "Class C0"). This variant has not been reported in the literature in individuals affected with HMCN1-related conditions. This variant is present in population databases (no rsID available, gnomAD no frequency). This sequence change replaces isoleucine, which is neutral and non-polar, with phenylalanine, which is neutral and non-polar, at codon 5552 of the HMCN1 protein (p.Ile5552Phe).

NM_031935.3(HMCN1):c.16654A>T (p.Ile5552Phe)

Gene: HMCN1 (hemicentin 1; plus strand). Cytogenetic location: 1q31.1.
Variant type: single nucleotide variant.
Coding change: c.16654A>T on transcript NM_031935.3 (MANE Select); coding-DNA position 16654, A replaced by T.
Protein change: p.Ile5552Phe; replaces isoleucine 5552 with phenylalanine.
Molecular consequence: missense variant.
Genome position (GRCh38, 1-based): chr1:186,189,624, A>T. VCF-style: chr1-186189624-A-T. GRCh37 (hg19) VCF-style: chr1-186158756-A-T.
Other names: short protein forms I5552F.
Identifiers: ClinVar variation 1939124 (VCV001939124.5), dbSNP rs931927965, ClinGen allele CA343905042.